The following is an entry in ClinVar:

ClinVar aggregate classification (germline): Uncertain significance (1 of 4 stars; one submission).

Allele frequency attached by ClinVar (database versions not stated): ExAC 0.00001; gnomAD 0.00002; gnomAD exomes 0.00002; TOPMed 0.00003.
gnomAD v4.1: 34 of 1,613,362 alleles (0.0021%); highest among the groups gnomAD compares: Non-Finnish European, 0.0028%; no homozygotes.

Submission:

Labcorp Genetics (formerly Invitae), Labcorp
Classification: Uncertain significance. Last evaluated: 2024-04-16. Review status: criteria provided, single submitter. Criteria: Invitae Variant Classification Sherloc (09022015). Collection method: clinical testing. Allele origin: germline.
Comment: This sequence change replaces isoleucine, which is neutral and non-polar, with threonine, which is neutral and polar, at codon 1946 of the SCN3A protein (p.Ile1946Thr). This variant is present in population databases (rs745891599, gnomAD 0.002%). This variant has not been reported in the literature in individuals affected with SCN3A-related conditions. Advanced modeling of protein sequence and biophysical properties (such as structural, functional, and spatial information, amino acid conservation, physicochemical variation, residue mobility, and thermodynamic stability) performed at Invitae indicates that this missense variant is not expected to disrupt SCN3A protein function with a negative predictive value of 95%. In summary, the available evidence is currently insufficient to determine the role of this variant in disease. Therefore, it has been classified as a Variant of Uncertain Significance.

NM_006922.4(SCN3A):c.5837T>C (p.Ile1946Thr)

Gene: SCN3A (sodium voltage-gated channel alpha subunit 3; minus strand). Cytogenetic location: 2q24.3.
Variant type: single nucleotide variant.
Coding change: c.5837T>C on transcript NM_006922.4 (MANE Select); coding-DNA position 5837, T replaced by C.
Protein change: p.Ile1946Thr; replaces isoleucine 1946 with threonine.
Molecular consequence: missense variant.
Genome position (GRCh38, 1-based): chr2:165,090,316, A>G on the plus strand (T>C on the coding strand, the complement: SCN3A is on the minus strand). VCF-style: chr2-165090316-A-G. GRCh37 (hg19) VCF-style: chr2-165946826-A-G.
Other names: c.5690T>C, p.Ile1897Thr (NM_001081676.2, NM_001081677.2); short protein forms I1897T, I1946T.
Identifiers: ClinVar variation 2732119 (VCV002732119.3), dbSNP rs745891599, ClinGen allele CA1938348.